The following is an entry in ClinVar:

ClinVar aggregate classification (germline): Pathogenic (1 of 4 stars; one submission).

Conditions:
Hereditary breast ovarian cancer syndrome. Also called: Hereditary breast and ovarian cancer syndrome (HBOC); Hereditary breast and ovarian cancer syndrome; Breast and ovarian cancer; Hereditary breast and/or ovarian cancer syndrome; Hereditary breast and ovarian cancer; BRCA1- and BRCA2-Associated Hereditary Breast and Ovarian Cancer. Identifiers: Orphanet 145, MedGen C0677776, MeSH D061325, MONDO:0003582. Disease mechanism: loss of function.

Submission:

Labcorp Genetics (formerly Invitae), Labcorp
Classification: Pathogenic for Hereditary breast ovarian cancer syndrome. Last evaluated: 2017-08-21. Review status: criteria provided, single submitter. Criteria: Invitae Variant Classification Sherloc (09022015). Collection method: clinical testing. Allele origin: germline.
Comment: This sequence change deletes 4 nucleotides and inserts 4 different nucleotides in exon 11 of the BRCA2 mRNA (c.1940_1943delinsTTTA). This creates a premature translational stop signal at codon 468 (p.Cys647_Ser648delinsPhe*) and is expected to result in an absent or disrupted protein product. This variant has not been reported in the literature in individuals with BRCA2-related disease. This variant is not present in population databases (ExAC no frequency). For these reasons, this variant has been classified as Pathogenic. Loss-of-function variants in BRCA2 are known to be pathogenic (PMID: 20104584).

Literature cited by the submitters: PubMed 20104584.

NC_000013.11:g.32336295_32336298delinsTTTA

Gene: BRCA2 (BRCA2 DNA repair associated; plus strand). Cytogenetic location: 13q13.1.
Variant type: Indel.
Genome position: GRCh38 VCF-style: chr13-32336295-GTTC-TTTA. GRCh37 (hg19) VCF-style: chr13-32910432-GTTC-TTTA.
Other names: c.1940_1943delinsTTTA, p.Cys647_Ser648delinsPheTer (LRG_293t1).
Identifiers: ClinVar variation 462250 (VCV000462250.6), dbSNP rs1555282370, ClinGen allele CA658656348.